The following is an entry in ClinVar:

NM_000481.4(AMT):c.70C>G (p.Arg24Gly)

Genes: AMT (aminomethyltransferase; minus strand), NICN1 (nicolin 1, tubulin polyglutamylase complex subunit; minus strand). Cytogenetic location: 3p21.31.
Variant type: single nucleotide variant.
Coding change: c.70C>G on transcript NM_000481.4 (MANE Select); coding-DNA position 70, C replaced by G.
Protein change: p.Arg24Gly; replaces arginine 24 with glycine.
Molecular consequence: missense variant. On other transcripts: non-coding transcript variant (1), 3 prime UTR variant (1).
Genome position (GRCh38, 1-based): chr3:49,422,381, G>C on the plus strand (C>G on the coding strand, the complement: AMT is on the minus strand). VCF-style: chr3-49422381-G-C. GRCh37 (hg19) VCF-style: chr3-49459814-G-C.
Other names: c.70C>G, p.Arg24Gly (NM_001164710.2, NM_001164711.2, NM_001164712.2); c.*2452C>G (NM_032316.3); short protein forms R24G.
Identifiers: ClinVar variation 2007907 (VCV002007907.4), dbSNP rs371656220, ClinGen allele CA352791411.

ClinVar aggregate classification (germline): Uncertain significance (1 of 4 stars; one submission).

Conditions:
Glycine encephalopathy. Also called: Nonketotic hyperglycinemia; Non-ketotic hyperglycinemia. Identifiers: Orphanet 407, MedGen C0751748, MONDO:0011612, HP:0008288.

Submission:

Labcorp Genetics (formerly Invitae), Labcorp
Classification: Uncertain significance for Glycine encephalopathy. Last evaluated: 2022-06-18. Review status: criteria provided, single submitter. Criteria: Invitae Variant Classification Sherloc (09022015). Collection method: clinical testing. Allele origin: germline.
Comment: In summary, the available evidence is currently insufficient to determine the role of this variant in disease. Therefore, it has been classified as a Variant of Uncertain Significance. Advanced modeling of protein sequence and biophysical properties (such as structural, functional, and spatial information, amino acid conservation, physicochemical variation, residue mobility, and thermodynamic stability) performed at Invitae indicates that this missense variant is not expected to disrupt AMT protein function. This variant has not been reported in the literature in individuals affected with AMT-related conditions. This variant is not present in population databases (gnomAD no frequency). This sequence change replaces arginine, which is basic and polar, with glycine, which is neutral and non-polar, at codon 24 of the AMT protein (p.Arg24Gly).